The following is an entry in ClinVar:

NM_024426.6(WT1):c.1141C>G (p.Pro381Ala)

Gene: WT1 (WT1 transcription factor; minus strand). Cytogenetic location: 11p13.
Variant type: single nucleotide variant.
Coding change: c.1141C>G on transcript NM_024426.6 (MANE Select); coding-DNA position 1141, C replaced by G.
Protein change: p.Pro381Ala; replaces proline 381 with alanine.
Molecular consequence: missense variant. On other transcripts: 5 prime UTR variant (1), non-coding transcript variant (1).
Genome position (GRCh38, 1-based): chr11:32,396,380, G>C on the plus strand (C>G on the coding strand, the complement: WT1 is on the minus strand). VCF-style: chr11-32396380-G-C. GRCh37 (hg19) VCF-style: chr11-32417926-G-C.
Other names: c.1090C>G, p.Pro364Ala (NM_000378.6, NM_001407045.1, NM_001407048.1 and 1 more transcripts); c.490C>G, p.Pro164Ala (NM_001198551.2); c.439C>G, p.Pro147Ala (NM_001198552.2); c.-48C>G (NM_001367854.1); c.1135C>G, p.Pro379Ala (NM_001407044.1); c.1141C>G, p.Pro381Ala (NM_001407046.1, NM_024424.5); c.1018C>G, p.Pro340Ala (NM_001407047.1); c.967C>G, p.Pro323Ala (NM_001407050.1); and 2 more; short protein forms P323A, P364A, P379A, P127A, P164A, P340A, P381A, P359A.
Identifiers: ClinVar variation 2125211 (VCV002125211.4), dbSNP rs754938612, ClinGen allele CA379960034.

ClinVar aggregate classification (germline): Uncertain significance (1 of 4 stars; one submission).

Conditions:
Drash syndrome (DDS). Also called: WILMS TUMOR AND PSEUDO- OR TRUE HERMAPHRODITISM; NEPHROPATHY, WILMS TUMOR, AND GENITAL ANOMALIES. Identifiers: Orphanet 220, MedGen C0950121, MONDO:0008682, OMIM 194080.
Frasier syndrome. Identifiers: Orphanet 347, MedGen C0950122, MeSH D052159, MONDO:0007635, OMIM 136680.
Wilms tumor 1 (WT1). Also called: Wilms tumor, somatic. Identifiers: Orphanet 654, MedGen CN033288, MONDO:0008679, OMIM 194070.
11p partial monosomy syndrome (WAGR). Also called: WAGR Complex; WAGR Spectrum Disorder; WAGR syndrome; CHROMOSOME 11p13 DELETION SYNDROME. Identifiers: Orphanet 893, MedGen C0206115, MONDO:0008681, OMIM 194072.

Submission:

Labcorp Genetics (formerly Invitae), Labcorp
Classification: Uncertain significance for Wilms tumor 1; Drash syndrome; 11p partial monosomy syndrome; Frasier syndrome. Last evaluated: 2024-04-16. Review status: criteria provided, single submitter. Criteria: Invitae Variant Classification Sherloc (09022015). Collection method: clinical testing. Allele origin: germline.
Comment: This sequence change replaces proline, which is neutral and non-polar, with alanine, which is neutral and non-polar, at codon 376 of the WT1 protein (p.Pro376Ala). This variant is not present in population databases (gnomAD no frequency). This variant has not been reported in the literature in individuals affected with WT1-related conditions. ClinVar contains an entry for this variant (Variation ID: 2125211). An algorithm developed to predict the effect of missense changes on protein structure and function (PolyPhen-2) suggests that this variant is likely to be disruptive. In summary, the available evidence is currently insufficient to determine the role of this variant in disease. Therefore, it has been classified as a Variant of Uncertain Significance.